The following is an entry in ClinVar:

ClinVar aggregate classification (germline): Likely benign (1 of 4 stars; one submission).

Submission:

GeneDx
Classification: Likely benign. Last evaluated: 2020-08-24. Review status: criteria provided, single submitter. Criteria: GeneDx Variant Classification Process June 2021. Collection method: clinical testing. Allele origin: germline. Affected: yes.
Comment: See Variant Classification Assertion Criteria.

NM_006073.4(TRDN):c.992-203_992-202insAAAA

Gene: TRDN (triadin; minus strand). Cytogenetic location: 6q22.31.
Variant type: Insertion.
Coding change: c.992-203_992-202insAAAA on transcript NM_006073.4 (MANE Select); 203 bases into the intron before coding-DNA position 992 through 202 bases into the intron before coding-DNA position 992, AAAA inserted.
Molecular consequence: intron variant.
Genome position: GRCh38 VCF-style: chr6-123438324-A-ATTTT. GRCh37 (hg19) VCF-style: chr6-123759469-A-ATTTT.
Other names: c.992-200_992-199insAAAA (NM_001251987.2).
Identifiers: ClinVar variation 1802022 (VCV001802022.1), dbSNP rs146284588, ClinGen allele CA147270883.